The following is an entry in ClinVar:

ClinVar aggregate classification (germline): Uncertain significance (1 of 4 stars; one submission).

Submission:

Labcorp Genetics (formerly Invitae), Labcorp
Classification: Uncertain significance. Last evaluated: 2022-12-24. Review status: criteria provided, single submitter. Criteria: Invitae Variant Classification Sherloc (09022015). Collection method: clinical testing. Allele origin: germline.
Comment: In summary, the available evidence is currently insufficient to determine the role of this variant in disease. Therefore, it has been classified as a Variant of Uncertain Significance. Algorithms developed to predict the effect of missense changes on protein structure and function (SIFT, PolyPhen-2, Align-GVGD) all suggest that this variant is likely to be tolerated. This variant has not been reported in the literature in individuals affected with AK7-related conditions. This variant is not present in population databases (gnomAD no frequency). This sequence change replaces valine, which is neutral and non-polar, with phenylalanine, which is neutral and non-polar, at codon 425 of the AK7 protein (p.Val425Phe).

NM_152327.5(AK7):c.1273G>T (p.Val425Phe)

Gene: AK7 (adenylate kinase 7; plus strand). Cytogenetic location: 14q32.2.
Variant type: single nucleotide variant.
Coding change: c.1273G>T on transcript NM_152327.5 (MANE Select); coding-DNA position 1273, G replaced by T.
Protein change: p.Val425Phe; replaces valine 425 with phenylalanine.
Molecular consequence: missense variant.
Genome position (GRCh38, 1-based): chr14:96,458,128, G>T. VCF-style: chr14-96458128-G-T. GRCh37 (hg19) VCF-style: chr14-96924465-G-T.
Other names: c.1273G>T, p.Val425Phe (NM_001350888.2, NM_001350890.2, NM_001350892.2); c.1195G>T, p.Val399Phe (NM_001350891.2); short protein forms V425F, V399F.
Identifiers: ClinVar variation 2777705 (VCV002777705.3), dbSNP rs143809878, ClinGen allele CA390916777.